The following is an entry in ClinVar:

ClinVar aggregate classification (germline): Uncertain significance (1 of 4 stars; one submission).

Conditions:
Epileptic encephalopathy. Identifiers: MedGen C0543888, HP:0200134.

Allele frequency attached by ClinVar (database versions not stated): gnomAD 0.00002 and 0.00003; gnomAD exomes 0.00002 and 0.00003; TOPMed 0.00002; ExAC 0.00003; 1000 Genomes Project 0.00020; 1000 Genomes Project 30x 0.00031.
gnomAD v4.1: 30 of 1,606,798 alleles (0.0019%); highest among the groups gnomAD compares: Admixed American, 0.005%; no homozygotes.

Submission:

Labcorp Genetics (formerly Invitae), Labcorp
Classification: Uncertain significance for Epileptic encephalopathy. Last evaluated: 2020-03-17. Review status: criteria provided, single submitter. Criteria: Invitae Variant Classification Sherloc (09022015). Collection method: clinical testing. Allele origin: germline.
Comment: This sequence change replaces valine with isoleucine at codon 3529 of the RYR3 protein (p.Val3529Ile). The valine residue is highly conserved and there is a small physicochemical difference between valine and isoleucine. In summary, the available evidence is currently insufficient to determine the role of this variant in disease. Therefore, it has been classified as a Variant of Uncertain Significance. Algorithms developed to predict the effect of missense changes on protein structure and function are either unavailable or do not agree on the potential impact of this missense change (SIFT: "Deleterious"; PolyPhen-2: "Benign"; Align-GVGD: "Class C0"). This variant has not been reported in the literature in individuals with RYR3-related conditions. This variant is present in population databases (rs186218390, ExAC 0.006%).

NM_001036.6(RYR3):c.10585G>A (p.Val3529Ile)

Gene: RYR3 (ryanodine receptor 3; plus strand). Cytogenetic location: 15q14.
Variant type: single nucleotide variant.
Coding change: c.10585G>A on transcript NM_001036.6 (MANE Select); coding-DNA position 10585, G replaced by A.
Protein change: p.Val3529Ile; replaces valine 3529 with isoleucine.
Molecular consequence: missense variant.
Genome position (GRCh38, 1-based): chr15:33,816,944, G>A. VCF-style: chr15-33816944-G-A. GRCh37 (hg19) VCF-style: chr15-34109145-G-A.
Other names: c.10570G>A, p.Val3524Ile (NM_001243996.4); short protein forms V3524I, V3529I.
Identifiers: ClinVar variation 1037139 (VCV001037139.9), dbSNP rs186218390, ClinGen allele CA7460883.
Genomic context (GRCh38, chr15:33,816,944, plus strand): 5'-CTCCATGGCTATCAGAGATTTTGGATAGAAACAGAGGAGTATTCCTTTGAAGAGAAACTA[G>A]TACAGGATTTGGCTGTAAGTACTGACTCCCCTGGGAGCAGATATGAGTGTGGATGAATTT-3'
Protein context (NP_001027.3, residues 3519-3539): TEEYSFEEKL[Val3529Ile]QDLAKSPKVE